The following is an entry in ClinVar:

NM_001365276.2(TNXB):c.9663G>A (p.Val3221=)

Gene: TNXB (tenascin XB; minus strand). Cytogenetic location: 6p21.33.
Variant type: single nucleotide variant.
Coding change: c.9663G>A on transcript NM_001365276.2 (MANE Select); coding-DNA position 9663, G replaced by A.
Protein change: p.Val3221=; no amino-acid change (valine 3221 retained).
Molecular consequence: synonymous variant.
Genome position (GRCh38, 1-based): chr6:32,049,364, C>T on the plus strand (G>A on the coding strand, the complement: TNXB is on the minus strand). VCF-style: chr6-32049364-C-T. GRCh37 (hg19) VCF-style: chr6-32017141-C-T.
Other names: p.Val3219=; c.9657G>A, p.Val3219= (NM_019105.8).
Identifiers: ClinVar variation 1207698 (VCV001207698.12), dbSNP rs2242569, ClinGen allele CA3733451.
Genomic context (GRCh38, chr6:32,049,364, plus strand): 5'-CTGCCCCTCGTGGAGGCCGTACAGATGCATCTTGTATTTGCGCCCGGGCTCCAGGCCCCC[C>T]ACGGTGACCTCGCTCTCCTCGCCCCTGACACGCACCACCTGGGGCTGCCCGTCCCTGTCC-3'
Protein context (NP_001352205.1, residues 3211-3231): RVRGEESEVT[Val3221=]GGLEPGRKYK

ClinVar aggregate classification (germline): Benign/Likely benign. Review status: criteria provided, multiple submitters, no conflicts (2 of 4 stars). 8 submissions from 8 submitters: Benign (4); Likely benign (2). 2 of the submissions do not count toward it. Last evaluated 2026-02-04.

Conditions:
Ehlers-Danlos syndrome (EDS). Identifiers: Orphanet 98249, MedGen C0013720, MONDO:0020066.
Cardiovascular phenotype. Identifiers: MedGen CN230736.

Allele frequency attached by ClinVar (database versions not stated): gnomAD 0.00061 and 0.00102; TOPMed 0.00110; 1000 Genomes Project 30x 0.00312; 1000 Genomes Project 0.00379.
gnomAD v4.1: 1,956 of 1,612,502 alleles (0.12%); highest among the groups gnomAD compares: East Asian, 4.1%; 44 homozygotes.

Submissions (8):

Labcorp Genetics (formerly Invitae), Labcorp
Classification: Benign. Last evaluated: 2026-02-04. Review status: criteria provided, single submitter. Criteria: Invitae Variant Classification Sherloc (09022015). Collection method: clinical testing. Allele origin: germline.

Women's Health and Genetics/Laboratory Corporation of America, LabCorp
Classification: Benign. Last evaluated: 2026-01-22. Review status: criteria provided, single submitter. Criteria: LabCorp Variant Classification Summary - May 2015. Collection method: clinical testing. Allele origin: germline.

Mayo Clinic Laboratories, Mayo Clinic
Classification: Benign. Last evaluated: 2025-09-05. Review status: criteria provided, single submitter. Criteria: ACMG Guidelines, 2015. Collection method: clinical testing. Allele origin: germline. Observed: 1 variant allele.
Comment: BS1, BS2, BP4, BP7

GeneDx
Classification: Likely benign. Last evaluated: 2020-09-17. Review status: criteria provided, single submitter. Criteria: GeneDx Variant Classification Process June 2021. Collection method: clinical testing. Allele origin: germline. Affected: yes.

Genome Diagnostics Laboratory, The Hospital for Sick Children
Classification: Likely benign for Ehlers-Danlos syndrome. Last evaluated: 2020-05-01. Review status: criteria provided, single submitter. Criteria: ACMG Guidelines, 2015. Collection method: clinical testing. Allele origin: germline.

Ambry Genetics
Classification: Benign for Cardiovascular phenotype. Last evaluated: 2019-05-29. Review status: criteria provided, single submitter. Criteria: Ambry Variant Classification Scheme 2023. Collection method: clinical testing. Allele origin: germline.

Genome Diagnostics Laboratory, Amsterdam University Medical Center
Classification: Likely benign. Review status: no assertion criteria provided. Collection method: clinical testing. Allele origin: germline. Affected: yes. Study: VKGL Data-share Consensus. Not counted in ClinVar's aggregate classification.

Genome Diagnostics Laboratory, University Medical Center Utrecht
Classification: Likely benign. Review status: no assertion criteria provided. Collection method: clinical testing. Allele origin: germline. Affected: yes. Study: VKGL Data-share Consensus. Not counted in ClinVar's aggregate classification.